The following is an entry in ClinVar:

ClinVar aggregate classification (germline): Likely benign. Review status: criteria provided, multiple submitters, no conflicts (2 of 4 stars). 2 submissions from 2 submitters: Likely benign (2). Last evaluated 2024-11-09.

Conditions:
Hereditary cancer-predisposing syndrome. Also called: Hereditary Cancer Syndrome; Hereditary neoplastic syndrome; Neoplastic Syndromes, Hereditary; Tumor predisposition. Identifiers: Orphanet 140162, MedGen C0027672, MeSH D009386, MONDO:0015356.

Submissions (2):

Ambry Genetics
Classification: Likely benign for Hereditary cancer-predisposing syndrome. Last evaluated: 2024-11-09. Review status: criteria provided, single submitter. Criteria: Ambry Variant Classification Scheme 2023. Collection method: clinical testing. Allele origin: germline.

GeneDx
Classification: Likely benign. Last evaluated: 2016-02-01. Review status: criteria provided, single submitter. Criteria: GeneDx Variant Classification (06012015). Collection method: clinical testing. Allele origin: germline. Affected: yes.
Comment: This variant is considered likely benign or benign based on one or more of the following criteria: it is a conservative change, it occurs at a poorly conserved position in the protein, it is predicted to be benign by multiple in silico algorithms, and/or has population frequency not consistent with disease.

NM_002691.4(POLD1):c.1261C>T (p.Leu421=)

Gene: POLD1 (DNA polymerase delta 1, catalytic subunit; plus strand). Cytogenetic location: 19q13.33.
Variant type: single nucleotide variant.
Coding change: c.1261C>T on transcript NM_002691.4 (MANE Select); coding-DNA position 1261, C replaced by T.
Protein change: p.Leu421=; no amino-acid change (leucine 421 retained).
Molecular consequence: synonymous variant. On other transcripts: non-coding transcript variant (1).
Genome position (GRCh38, 1-based): chr19:50,406,200, C>T. VCF-style: chr19-50406200-C-T. GRCh37 (hg19) VCF-style: chr19-50909457-C-T.
Other names: c.1261C>T, p.Leu421= (NM_001256849.1, NM_001308632.1); c.1261C>T (NM_002691.2).
Identifiers: ClinVar variation 383540 (VCV000383540.2), dbSNP rs1057521659, ClinGen allele CA16607908.